The following is an entry in ClinVar:

NM_007294.4(BRCA1):c.1241A>C (p.Asp414Ala)

Gene: BRCA1 (BRCA1 DNA repair associated; minus strand). Cytogenetic location: 17q21.31.
Variant type: single nucleotide variant.
Coding change: c.1241A>C on transcript NM_007294.4 (MANE Select); coding-DNA position 1241, A replaced by C.
Protein change: p.Asp414Ala; replaces aspartic acid 414 with alanine.
Molecular consequence: missense variant. On other transcripts: intron variant (137).
Genome position (GRCh38, 1-based): chr17:43,094,290, T>G on the plus strand (A>C on the coding strand, the complement: BRCA1 is on the minus strand). VCF-style: chr17-43094290-T-G. GRCh37 (hg19) VCF-style: chr17-41246307-T-G.
Other names: c.1097A>C, p.Asp366Ala (NM_001407742.1, NM_001407743.1, NM_001407744.1 and 20 more transcripts); c.1100A>C, p.Asp367Ala (NM_001407750.1, NM_001407751.1, NM_001407752.1 and 29 more transcripts); c.1028A>C, p.Asp343Ala (NM_001407853.1, NM_001407894.1, NM_001407895.1 and 9 more transcripts); c.1241A>C, p.Asp414Ala (NM_001407854.1, NM_001407858.1, NM_001407859.1 and 30 more transcripts); c.1238A>C, p.Asp413Ala (NM_001407860.1, NM_001407861.1, NM_001407587.1 and 22 more transcripts); c.1040A>C, p.Asp347Ala (NM_001407862.1); c.1118A>C, p.Asp373Ala (NM_001407863.1, NM_001407919.1, NM_001407937.1 and 19 more transcripts); c.1037A>C, p.Asp346Ala (NM_001407874.1, NM_001407875.1); and 40 more; short protein forms D414A, D367A, D286A, D325A, D346A, D387A, D411A, D118A.
Identifiers: ClinVar variation 462554 (VCV000462554.12), dbSNP rs1555592086, ClinGen allele CA10599571.

ClinVar aggregate classification (germline): Conflicting classifications of pathogenicity. Review status: criteria provided, conflicting classifications (1 of 4 stars). 2 submissions from 2 submitters: Uncertain significance (1); Likely benign (1). Last evaluated 2023-03-23.

Conditions:
Hereditary breast ovarian cancer syndrome. Also called: Hereditary breast and ovarian cancer syndrome (HBOC); Hereditary breast and ovarian cancer syndrome; Breast and ovarian cancer; Hereditary breast and/or ovarian cancer syndrome; Hereditary breast and ovarian cancer; BRCA1- and BRCA2-Associated Hereditary Breast and Ovarian Cancer. Identifiers: Orphanet 145, MedGen C0677776, MeSH D061325, MONDO:0003582. Disease mechanism: loss of function.
Hereditary cancer-predisposing syndrome. Also called: Neoplastic Syndromes, Hereditary; Hereditary Cancer Syndrome; Hereditary neoplastic syndrome; Tumor predisposition. Identifiers: Orphanet 140162, MedGen C0027672, MeSH D009386, MONDO:0015356.

Submissions (2):

University of Washington Department of Laboratory Medicine, University of Washington
Classification: Likely benign for Hereditary cancer-predisposing syndrome. Last evaluated: 2023-03-23. Review status: criteria provided, single submitter. Criteria: Dines et al. (Genet Med. 2020). Collection method: curation. Allele origin: germline.
Comment: Missense variant in a coldspot region where missense variants are very unlikely to be pathogenic (PMID:31911673).

BRCA1 coldspot (exon 11 using historical exon numbering). Reclassification based on statistical prior probability

Labcorp Genetics (formerly Invitae), Labcorp
Classification: Uncertain significance for Hereditary breast ovarian cancer syndrome. Last evaluated: 2017-04-04. Review status: criteria provided, single submitter. Criteria: Invitae Variant Classification Sherloc (09022015). Collection method: clinical testing. Allele origin: germline.
Comment: This variant is not present in population databases (ExAC no frequency) and has not been reported in the literature in individuals with a BRCA1-related disease. In summary, this variant is a novel missense change that is not predicted to affect protein function. There is no indication that it causes disease, but the available evidence is currently insufficient to prove that conclusively. Therefore, it has been classified as a Variant of Uncertain Significance. Algorithms developed to predict the effect of missense changes on protein structure and function (SIFT, PolyPhen-2, Align-GVGD) all suggest that this variant is likely to be tolerated, but these predictions have not been confirmed by published functional studies. This sequence change replaces aspartic acid with alanine at codon 414 of the BRCA1 protein (p.Asp414Ala). The aspartic acid residue is weakly conserved and there is a moderate physicochemical difference between aspartic acid and alanine.